The following is an entry in ClinVar:

NM_000400.4(ERCC2):c.1161G>C (p.Glu387Asp)

Gene: ERCC2 (ERCC excision repair 2, TFIIH core complex helicase subunit; minus strand). Cytogenetic location: 19q13.32.
Variant type: single nucleotide variant.
Coding change: c.1161G>C on transcript NM_000400.4 (MANE Select); coding-DNA position 1161, G replaced by C.
Protein change: p.Glu387Asp; replaces glutamic acid 387 with aspartic acid.
Molecular consequence: missense variant.
Genome position (GRCh38, 1-based): chr19:45,361,600, C>G on the plus strand (G>C on the coding strand, the complement: ERCC2 is on the minus strand). VCF-style: chr19-45361600-C-G. GRCh37 (hg19) VCF-style: chr19-45864858-C-G.
Other names: c.1089G>C, p.Glu363Asp (NM_001130867.2); short protein forms E387D, E363D.
Identifiers: ClinVar variation 1736978 (VCV001736978.2), dbSNP rs1972222341, ClinGen allele CA406370038.

ClinVar aggregate classification (germline): Uncertain significance (1 of 4 stars; one submission).

Conditions:
Inborn genetic diseases. Identifiers: MedGen C0950123, MeSH D030342.

Submission:

Ambry Genetics
Classification: Uncertain significance for Inborn genetic diseases. Last evaluated: 2021-06-20. Review status: criteria provided, single submitter. Criteria: Ambry Variant Classification Scheme 2023. Collection method: clinical testing. Allele origin: germline.
Comment: The p.E387D variant (also known as c.1161G>C), located in coding exon 12 of the ERCC2 gene, results from a G to C substitution at nucleotide position 1161. The glutamic acid at codon 387 is replaced by aspartic acid, an amino acid with highly similar properties. This amino acid position is conserved. In addition, the in silico prediction for this alteration is inconclusive. Since supporting evidence is limited at this time, the clinical significance of this alteration remains unclear.